The following is an entry in ClinVar:

NM_000256.3(MYBPC3):c.298dup (p.Ala100fs)

Gene: MYBPC3 (myosin binding protein C3; minus strand). Cytogenetic location: 11p11.2.
Variant type: Duplication.
Coding change: c.298dup on transcript NM_000256.3 (MANE Select); coding-DNA position 298, one base duplicated (G; older notation c.298dupG).
Protein change: p.Ala100fs; shifts the reading frame from alanine 100.
Molecular consequence: frameshift variant.
Genome position (GRCh38, 1-based): chr11:47,350,610, C duplicated on the plus strand (G on the coding strand, the reverse complement: MYBPC3 is on the minus strand); the first of 2 consecutive C bases (chr11:47,350,610-47,350,611); duplicating either gives the same sequence. VCF-style (leftmost placement, unchanged base first): chr11-47350609-G-GC. GRCh37 (hg19) VCF-style: chr11-47372160-G-GC.
Other names: c.298dupG (NM_000256.3); short protein forms A100fs.
Identifiers: ClinVar variation 2813081 (VCV002813081.5), dbSNP rs2495783948, ClinGen allele CA2695214000.

ClinVar aggregate classification (germline): Pathogenic. Review status: criteria provided, multiple submitters, no conflicts (2 of 4 stars). 3 submissions from 3 submitters: Pathogenic (3). Last evaluated 2025-12-15.

Conditions:
Hypertrophic cardiomyopathy. Also called: HYPERTROPHIC MYOCARDIOPATHY. Identifiers: Orphanet 217569, MedGen C0007194, MeSH D002312, MONDO:0005045, HP:0001639.
Cardiovascular phenotype. Identifiers: MedGen CN230736.

Submissions (3):

Labcorp Genetics (formerly Invitae), Labcorp
Classification: Pathogenic for Hypertrophic cardiomyopathy. Last evaluated: 2025-12-15. Review status: criteria provided, single submitter. Criteria: Invitae Variant Classification Sherloc (09022015). Collection method: clinical testing. Allele origin: germline.
Comment: This sequence change creates a premature translational stop signal (p.Ala100Glyfs*13) in the MYBPC3 gene. It is expected to result in an absent or disrupted protein product. Loss-of-function variants in MYBPC3 are known to be pathogenic (PMID: 19574547). This variant is not present in population databases (gnomAD no frequency). This variant has not been reported in the literature in individuals affected with MYBPC3-related conditions. ClinVar contains an entry for this variant (Variation ID: 2813081). For these reasons, this variant has been classified as Pathogenic.

GeneDx
Classification: Pathogenic. Last evaluated: 2024-10-15. Review status: criteria provided, single submitter. Criteria: GeneDx Variant Classification Process June 2021. Collection method: clinical testing. Allele origin: germline. Affected: yes.
Comment: Not observed at significant frequency in large population cohorts (gnomAD); Frameshift variant predicted to result in protein truncation or nonsense mediated decay in a gene for which loss of function is a known mechanism of disease; This variant is associated with the following publications: (PMID: 36136372)

Ambry Genetics
Classification: Pathogenic for Cardiovascular phenotype. Last evaluated: 2023-10-11. Review status: criteria provided, single submitter. Criteria: Ambry Variant Classification Scheme 2023. Collection method: clinical testing. Allele origin: germline.
Comment: The c.298dupG variant, located in coding exon 3 of the MYBPC3 gene, results from a duplication of G at nucleotide position 298, causing a translational frameshift with a predicted alternate stop codon (p.A100Gfs*13). This alteration is expected to result in loss of function by premature protein truncation or nonsense-mediated mRNA decay. As such, this alteration is interpreted as a disease-causing mutation.

Literature cited by the submitters: PubMed 19574547 (cited by Labcorp Genetics (formerly Invitae), Labcorp).